The following is an entry in ClinVar:

ClinVar aggregate classification (germline): Benign (0 of 4 stars; one submission).

Conditions:
DLG4-related disorder. Also called: DLG4-related condition.

Allele frequency attached by ClinVar (database versions not stated): 1000 Genomes Project 30x 0.01109; 1000 Genomes Project 0.01298; TOPMed 0.02321; ESP Exome Variant Server 0.02741; gnomAD 0.02895; ExAC 0.04325.
gnomAD v4.1: 56,296 of 1,607,304 alleles (3.5%); highest among the groups gnomAD compares: Non-Finnish European, 3.9%; 1,214 homozygotes.

Submission:

PreventionGenetics, part of Exact Sciences
Classification: Benign for DLG4-related condition. Last evaluated: 2019-09-05. Review status: no assertion criteria provided. Collection method: clinical testing. Allele origin: germline.
Comment: This variant is classified as benign based on ACMG/AMP sequence variant interpretation guidelines (Richards et al. 2015 PMID: 25741868, with internal and published modifications).

NM_001321075.3(DLG4):c.1446C>T (p.Thr482=)

Gene: DLG4 (discs large MAGUK scaffold protein 4; minus strand). Cytogenetic location: 17p13.1.
Variant type: single nucleotide variant.
Coding change: c.1446C>T on transcript NM_001321075.3 (MANE Select); coding-DNA position 1446, C replaced by T.
Protein change: p.Thr482=; no amino-acid change (threonine 482 retained).
Molecular consequence: synonymous variant. On other transcripts: non-coding transcript variant (1).
Genome position (GRCh38, 1-based): chr17:7,194,351, G>A on the plus strand (C>T on the coding strand, the complement: DLG4 is on the minus strand). VCF-style: chr17-7194351-G-A. GRCh37 (hg19) VCF-style: chr17-7097670-G-A.
Other names: c.1437C>T, p.Thr479= (NM_001128827.4); c.1566C>T, p.Thr522= (NM_001321074.1); c.1266C>T, p.Thr422= (NM_001321076.3, NM_001321077.3); c.1575C>T, p.Thr525= (NM_001365.5); c.1365C>T, p.Thr455= (NM_001369566.3).
Identifiers: ClinVar variation 3055656 (VCV003055656.2), dbSNP rs41283393, ClinGen allele CA8336960.